The following is an entry in ClinVar:

NM_006031.6(PCNT):c.9490C>G (p.Gln3164Glu)

Gene: PCNT (pericentrin; plus strand). Cytogenetic location: 21q22.3.
Variant type: single nucleotide variant.
Coding change: c.9490C>G on transcript NM_006031.6 (MANE Select); coding-DNA position 9490, C replaced by G.
Protein change: p.Gln3164Glu; replaces glutamine 3164 with glutamic acid.
Molecular consequence: missense variant.
Genome position (GRCh38, 1-based): chr21:46,440,951, C>G. VCF-style: chr21-46440951-C-G. GRCh37 (hg19) VCF-style: chr21-47860864-C-G.
Other names: c.8899C>G, p.Gln2967Glu (NM_001315529.2); short protein forms Q2967E, Q3164E.
Identifiers: ClinVar variation 3728120 (VCV003728120.2).

ClinVar aggregate classification (germline): Uncertain significance (1 of 4 stars; one submission).

gnomAD v4.1: 1 of 1,613,388 alleles (0.000062%); highest among the groups gnomAD compares: Non-Finnish European, 0.000085%; no homozygotes.

Submission:

Labcorp Genetics (formerly Invitae), Labcorp
Classification: Uncertain significance. Last evaluated: 2025-01-24. Review status: criteria provided, single submitter. Criteria: Invitae Variant Classification Sherloc (09022015). Collection method: clinical testing. Allele origin: germline.
Comment: This sequence change replaces glutamine, which is neutral and polar, with glutamic acid, which is acidic and polar, at codon 3164 of the PCNT protein (p.Gln3164Glu). This variant is not present in population databases (gnomAD no frequency). This variant has not been reported in the literature in individuals affected with PCNT-related conditions. An algorithm developed to predict the effect of missense changes on protein structure and function (PolyPhen-2) suggests that this variant is likely to be disruptive. In summary, the available evidence is currently insufficient to determine the role of this variant in disease. Therefore, it has been classified as a Variant of Uncertain Significance.